The following is an entry in ClinVar:

NM_001079872.2(CUL4B):c.1899C>A (p.Asp633Glu)

Gene: CUL4B (cullin 4B; minus strand). Cytogenetic location: Xq24.
Variant type: single nucleotide variant.
Coding change: c.1899C>A on transcript NM_001079872.2 (MANE Select); coding-DNA position 1899, C replaced by A.
Protein change: p.Asp633Glu; replaces aspartic acid 633 with glutamic acid.
Molecular consequence: missense variant.
Genome position (GRCh38, 1-based): chrX:120,538,163, G>T on the plus strand (C>A on the coding strand, the complement: CUL4B is on the minus strand). VCF-style: chrX-120538163-G-T. GRCh37 (hg19) VCF-style: chrX-119672018-G-T.
Other names: c.1914C>A, p.Asp638Glu (NM_001330624.2); c.1365C>A, p.Asp455Glu (NM_001369145.1); c.1953C>A, p.Asp651Glu (NM_003588.4); short protein forms D455E, D633E, D638E, D651E.
Identifiers: ClinVar variation 3371448 (VCV003371448.1).

ClinVar aggregate classification (germline): Uncertain significance (1 of 4 stars; one submission).

Submission:

GeneDx
Classification: Uncertain significance. Last evaluated: 2024-03-26. Review status: criteria provided, single submitter. Criteria: GeneDx Variant Classification Process June 2021. Collection method: clinical testing. Allele origin: germline. Affected: yes.
Comment: Not observed at significant frequency in large population cohorts (gnomAD); In silico analysis supports that this missense variant has a deleterious effect on protein structure/function; Has not been previously published as pathogenic or benign to our knowledge